The following is an entry in ClinVar:

ClinVar aggregate classification (germline): Benign. Review status: criteria provided, multiple submitters, no conflicts (2 of 4 stars). 3 submissions from 3 submitters: Benign (3). Last evaluated 2022-12-03.

Allele frequency attached by ClinVar (database versions not stated): ExAC 0.00110; gnomAD exomes 0.27692.

Submissions (3):

Labcorp Genetics (formerly Invitae), Labcorp
Classification: Benign. Last evaluated: 2022-12-03. Review status: criteria provided, single submitter. Criteria: Invitae Variant Classification Sherloc (09022015). Collection method: clinical testing. Allele origin: germline.

GeneDx
Classification: Benign. Last evaluated: 2018-06-16. Review status: criteria provided, single submitter. Criteria: GeneDx Variant Classification (06012015). Collection method: clinical testing. Allele origin: germline. Affected: yes.
Comment: This variant is considered likely benign or benign based on one or more of the following criteria: it is a conservative change, it occurs at a poorly conserved position in the protein, it is predicted to be benign by multiple in silico algorithms, and/or has population frequency not consistent with disease.

Breakthrough Genomics
Classification: Benign. Review status: criteria provided, single submitter. Criteria: ACMG Guidelines, 2015. Collection method: not provided. Allele origin: germline. Inheritance: Autosomal recessive inheritance. Affected: yes.

NM_001384474.1(LOXHD1):c.3061+20T>G

Gene: LOXHD1 (lipoxygenase homology PLAT domains 1; minus strand). Cytogenetic location: 18q21.1.
Variant type: single nucleotide variant.
Coding change: c.3061+20T>G on transcript NM_001384474.1 (MANE Select); 20 bases into the intron after coding-DNA position 3061, T replaced by G.
Molecular consequence: intron variant.
Genome position (GRCh38, 1-based): chr18:46,560,063, A>C on the plus strand (T>G on the coding strand, the complement: LOXHD1 is on the minus strand). VCF-style: chr18-46560063-A-C. GRCh37 (hg19) VCF-style: chr18-44140026-A-C.
Other names: c.3061+20T>G (NM_144612.7).
Identifiers: ClinVar variation 682786 (VCV000682786.5), dbSNP rs2365338, ClinGen allele CA8952573.